The following is an entry in ClinVar:

ClinVar aggregate classification (germline): Uncertain significance. Review status: criteria provided, multiple submitters, no conflicts (2 of 4 stars). 2 submissions from 2 submitters: Uncertain significance (2). Last evaluated 2023-11-14.

Submissions (2):

Labcorp Genetics (formerly Invitae), Labcorp
Classification: Uncertain significance. Last evaluated: 2023-11-14. Review status: criteria provided, single submitter. Criteria: Invitae Variant Classification Sherloc (09022015). Collection method: clinical testing. Allele origin: germline.
Comment: This sequence change replaces isoleucine, which is neutral and non-polar, with methionine, which is neutral and non-polar, at codon 172 of the CEP78 protein (p.Ile172Met). This variant is not present in population databases (gnomAD no frequency). This variant has not been reported in the literature in individuals affected with CEP78-related conditions. ClinVar contains an entry for this variant (Variation ID: 1431807). Advanced modeling of protein sequence and biophysical properties (such as structural, functional, and spatial information, amino acid conservation, physicochemical variation, residue mobility, and thermodynamic stability) performed at Invitae indicates that this missense variant is not expected to disrupt CEP78 protein function with a negative predictive value of 80%. In summary, the available evidence is currently insufficient to determine the role of this variant in disease. Therefore, it has been classified as a Variant of Uncertain Significance.

Blueprint Genetics
Classification: Uncertain significance. Last evaluated: 2019-04-02. Review status: criteria provided, single submitter. Criteria: ACMG Guidelines, 2015. Collection method: clinical testing. Allele origin: germline.

NM_001330691.3(CEP78):c.516A>G (p.Ile172Met)

Gene: CEP78 (centrosomal protein 78; plus strand). Cytogenetic location: 9q21.2.
Variant type: single nucleotide variant.
Coding change: c.516A>G on transcript NM_001330691.3 (MANE Select); coding-DNA position 516, A replaced by G.
Protein change: p.Ile172Met; replaces isoleucine 172 with methionine.
Molecular consequence: missense variant.
Genome position (GRCh38, 1-based): chr9:78,241,712, A>G. VCF-style: chr9-78241712-A-G. GRCh37 (hg19) VCF-style: chr9-80856628-A-G.
Other names: c.516A>G, p.Ile172Met (NM_001098802.3, NM_001330693.3, NM_001330694.2 and 4 more transcripts); short protein forms I172M.
Identifiers: ClinVar variation 1431807 (VCV001431807.7), dbSNP rs2118141097, ClinGen allele CA374000169.